The following is an entry in ClinVar:

NM_016111.4(TELO2):c.607C>T (p.Leu203Phe)

Gene: TELO2 (telomere maintenance 2; plus strand). Cytogenetic location: 16p13.3.
Variant type: single nucleotide variant.
Coding change: c.607C>T on transcript NM_016111.4 (MANE Select); coding-DNA position 607, C replaced by T.
Protein change: p.Leu203Phe; replaces leucine 203 with phenylalanine.
Molecular consequence: missense variant.
Genome position (GRCh38, 1-based): chr16:1,495,617, C>T. VCF-style: chr16-1495617-C-T. GRCh37 (hg19) VCF-style: chr16-1545618-C-T.
Other names: c.607C>T, p.Leu203Phe (NM_001351846.2); short protein forms L203F.
Identifiers: ClinVar variation 2127151 (VCV002127151.2), dbSNP rs1177351420, ClinGen allele CA394207844.
Genomic context (GRCh38, chr16:1,495,617, plus strand): 5'-AACTACTTCCGCCTGCTCGGCGAGGAGGTCGTCCGGGTGCTGCAGGCGGTTGTGGACTCT[C>T]TCCAAGGTGAGGCCCTGCCTCGGGGACCCCCTTTGCCACCCGTCTTCTTGGGTCCTCGTC-3'
Protein context (NP_057195.2, residues 193-213): VRVLQAVVDS[Leu203Phe]QGGLDSSVSF

ClinVar aggregate classification (germline): Uncertain significance (1 of 4 stars; one submission).

Allele frequency attached by ClinVar (database versions not stated): gnomAD exomes 0.00001.
gnomAD v4.1: 4 of 1,589,532 alleles (0.00025%); highest among the groups gnomAD compares: Admixed American, 0.0051%; no homozygotes.

Submission:

Labcorp Genetics (formerly Invitae), Labcorp
Classification: Uncertain significance. Last evaluated: 2022-07-05. Review status: criteria provided, single submitter. Criteria: Invitae Variant Classification Sherloc (09022015). Collection method: clinical testing. Allele origin: germline.
Comment: In summary, the available evidence is currently insufficient to determine the role of this variant in disease. Therefore, it has been classified as a Variant of Uncertain Significance. Algorithms developed to predict the effect of missense changes on protein structure and function are either unavailable or do not agree on the potential impact of this missense change (SIFT: "Tolerated"; PolyPhen-2: "Probably Damaging"; Align-GVGD: "Class C0"). This variant has not been reported in the literature in individuals affected with TELO2-related conditions. This variant is present in population databases (no rsID available, gnomAD 0.003%). This sequence change replaces leucine, which is neutral and non-polar, with phenylalanine, which is neutral and non-polar, at codon 203 of the TELO2 protein (p.Leu203Phe).